The following is an entry in ClinVar:

ClinVar aggregate classification (germline): Likely benign. Review status: criteria provided, multiple submitters, no conflicts (2 of 4 stars). 2 submissions from 2 submitters: Likely benign (2). Last evaluated 2025-04-05.

Conditions:
TTLL5-related disorder. Also called: TTLL5-related condition.

Allele frequency attached by ClinVar (database versions not stated): TOPMed 0.00001; ExAC 0.00002; gnomAD exomes 0.00003; gnomAD 0.00004; 1000 Genomes Project 0.00020; 1000 Genomes Project 30x 0.00031.
gnomAD v4.1: 35 of 1,606,168 alleles (0.0022%); highest among the groups gnomAD compares: African/African-American, 0.012%; no homozygotes.

Submissions (2):

Labcorp Genetics (formerly Invitae), Labcorp
Classification: Likely benign. Last evaluated: 2025-04-05. Review status: criteria provided, single submitter. Criteria: Invitae Variant Classification Sherloc (09022015). Collection method: clinical testing. Allele origin: germline.

PreventionGenetics, part of Exact Sciences
Classification: Likely benign for TTLL5-related condition. Last evaluated: 2024-12-12. Review status: criteria provided, single submitter. Criteria: ACMG Guidelines, 2015. Collection method: clinical testing. Allele origin: germline.
Comment: This variant is classified as likely benign based on ACMG/AMP sequence variant interpretation guidelines (Richards et al. 2015 PMID: 25741868, with internal and published modifications).

NM_015072.5(TTLL5):c.75-8C>T

Gene: TTLL5 (tubulin tyrosine ligase like 5; plus strand). Cytogenetic location: 14q24.3.
Variant type: single nucleotide variant.
Coding change: c.75-8C>T on transcript NM_015072.5 (MANE Select); 8 bases into the intron before coding-DNA position 75, C replaced by T.
Molecular consequence: intron variant.
Genome position (GRCh38, 1-based): chr14:75,669,408, C>T. VCF-style: chr14-75669408-C-T. GRCh37 (hg19) VCF-style: chr14-76135751-C-T.
Other names: c.75-8C>T (NM_015072.4).
Identifiers: ClinVar variation 1148014 (VCV001148014.8), dbSNP rs574913177, ClinGen allele CA7278798.